The following is an entry in ClinVar:

ClinVar aggregate classification (germline): Uncertain significance. Review status: criteria provided, multiple submitters, no conflicts (2 of 4 stars). 3 submissions from 3 submitters: Uncertain significance (3). Last evaluated 2023-11-29.

Conditions:
Inborn genetic diseases. Identifiers: MedGen C0950123, MeSH D030342.
Autosomal recessive limb-girdle muscular dystrophy type R18 (LGMDR18). Also called: Limb-girdle muscular dystrophy, type 2S; MUSCULAR DYSTROPHY, LIMB-GIRDLE, AUTOSOMAL RECESSIVE 18; Autosomal recessive limb-girdle muscular dystrophy type 2S. Identifiers: Orphanet 369840, MedGen C4517996, MONDO:0014144, OMIM 615356.

Allele frequency attached by ClinVar (database versions not stated): gnomAD exomes 0.00004 and 0.00008; ESP Exome Variant Server 0.00015; gnomAD 0.00003; TOPMed 0.00003; ExAC 0.00004.

Submissions (3):

Revvity Omics, Revvity
Classification: Uncertain significance for Autosomal recessive limb-girdle muscular dystrophy type R18. Last evaluated: 2023-11-29. Review status: criteria provided, single submitter. Criteria: ACMG Guidelines, 2015. Collection method: clinical testing. Allele origin: germline.

Labcorp Genetics (formerly Invitae), Labcorp
Classification: Uncertain significance for Autosomal recessive limb-girdle muscular dystrophy type R18. Last evaluated: 2022-05-15. Review status: criteria provided, single submitter. Criteria: Invitae Variant Classification Sherloc (09022015). Collection method: clinical testing. Allele origin: germline.
Comment: This sequence change replaces tyrosine, which is neutral and polar, with cysteine, which is neutral and slightly polar, at codon 446 of the TRAPPC11 protein (p.Tyr446Cys). This variant is present in population databases (rs149572534, gnomAD 0.2%). This variant has not been reported in the literature in individuals affected with TRAPPC11-related conditions. ClinVar contains an entry for this variant (Variation ID: 970623). Algorithms developed to predict the effect of missense changes on protein structure and function (SIFT, PolyPhen-2, Align-GVGD) all suggest that this variant is likely to be disruptive. Algorithms developed to predict the effect of sequence changes on RNA splicing suggest that this variant may create or strengthen a splice site. In summary, the available evidence is currently insufficient to determine the role of this variant in disease. Therefore, it has been classified as a Variant of Uncertain Significance.

Ambry Genetics
Classification: Uncertain significance for Inborn genetic diseases. Last evaluated: 2021-03-31. Review status: criteria provided, single submitter. Criteria: Ambry Variant Classification Scheme 2023. Collection method: clinical testing. Allele origin: germline.

NM_021942.6(TRAPPC11):c.1337A>G (p.Tyr446Cys)

Gene: TRAPPC11 (trafficking protein particle complex subunit 11; plus strand). Cytogenetic location: 4q35.1.
Variant type: single nucleotide variant.
Coding change: c.1337A>G on transcript NM_021942.6 (MANE Select); coding-DNA position 1337, A replaced by G.
Protein change: p.Tyr446Cys; replaces tyrosine 446 with cysteine.
Molecular consequence: missense variant.
Genome position (GRCh38, 1-based): chr4:183,684,194, A>G. VCF-style: chr4-183684194-A-G. GRCh37 (hg19) VCF-style: chr4-184605347-A-G.
Other names: c.1337A>G, p.Tyr446Cys (NM_199053.3); c.1337A>G (NM_021942.4); short protein forms Y446C.
Identifiers: ClinVar variation 970623 (VCV000970623.7), dbSNP rs149572534, ClinGen allele CA3151882.